The following is an entry in ClinVar:

NM_001109809.5(ZFP57):c.1521G>T (p.Arg507Ser)

Gene: ZFP57 (ZFP57 zinc finger protein; minus strand). Cytogenetic location: 6p22.1.
Variant type: single nucleotide variant.
Coding change: c.1521G>T on transcript NM_001109809.5 (MANE Select); coding-DNA position 1521, G replaced by T.
Protein change: p.Arg507Ser; replaces arginine 507 with serine.
Molecular consequence: missense variant.
Genome position (GRCh38, 1-based): chr6:29,672,590, C>A on the plus strand (G>T on the coding strand, the complement: ZFP57 is on the minus strand). VCF-style: chr6-29672590-C-A. GRCh37 (hg19) VCF-style: chr6-29640367-C-A.
Other names: c.1305G>T, p.Arg435Ser (NM_001366333.2); short protein forms R507S, R435S.
Identifiers: ClinVar variation 2088219 (VCV002088219.4), dbSNP rs2481714484, ClinGen allele CA363042995.

ClinVar aggregate classification (germline): Uncertain significance (1 of 4 stars; one submission).

Allele frequency attached by ClinVar (database versions not stated): gnomAD exomes below 0.00001.

Submission:

Labcorp Genetics (formerly Invitae), Labcorp
Classification: Uncertain significance. Last evaluated: 2022-04-08. Review status: criteria provided, single submitter. Criteria: Invitae Variant Classification Sherloc (09022015). Collection method: clinical testing. Allele origin: germline.
Comment: In summary, the available evidence is currently insufficient to determine the role of this variant in disease. Therefore, it has been classified as a Variant of Uncertain Significance. This sequence change replaces arginine, which is basic and polar, with serine, which is neutral and polar, at codon 507 of the ZFP57 protein (p.Arg507Ser). This variant is not present in population databases (gnomAD no frequency). This variant has not been reported in the literature in individuals affected with ZFP57-related conditions. Algorithms developed to predict the effect of missense changes on protein structure and function are either unavailable or do not agree on the potential impact of this missense change (SIFT: "Not Available"; PolyPhen-2: "Benign"; Align-GVGD: "Not Available").